The following is an entry in ClinVar:

ClinVar aggregate classification (germline): Uncertain significance. Review status: criteria provided, multiple submitters, no conflicts (2 of 4 stars). 2 submissions from 2 submitters: Uncertain significance (2). Last evaluated 2022-04-29.

Conditions:
Amelogenesis imperfecta type 1G (AI1G). Also called: AMELOGENESIS IMPERFECTA, TYPE IG; AMELOGENESIS IMPERFECTA, HYPOPLASTIC, AND NEPHROCALCINOSIS; Amelogenesis imperfecta hypoplastic type, IG; Amelogenesis imperfecta and nephrocalcinosis; Amelogenesis imperfecta nephrocalcinosis; Enamel renal syndrome. Identifiers: Orphanet 1031, Orphanet 171836, MedGen C2931783, MONDO:0008771, OMIM 204690. Disease mechanism: loss of function.

Allele frequency attached by ClinVar (database versions not stated): gnomAD exomes below 0.00001 and 0.00001; ExAC 0.00002.
gnomAD v4.1: 14 of 1,605,574 alleles (0.00087%); highest among the groups gnomAD compares: African/African-American, 0.0013%; no homozygotes.

Submissions (2):

Fulgent Genetics
Classification: Uncertain significance for Amelogenesis imperfecta type 1G. Last evaluated: 2022-04-29. Review status: criteria provided, single submitter. Criteria: ACMG Guidelines, 2015. Collection method: clinical testing. Allele origin: unknown.

Labcorp Genetics (formerly Invitae), Labcorp
Classification: Uncertain significance. Last evaluated: 2021-09-17. Review status: criteria provided, single submitter. Criteria: Invitae Variant Classification Sherloc (09022015). Collection method: clinical testing. Allele origin: germline.
Comment: This sequence change replaces serine with asparagine at codon 390 of the FAM20A protein (p.Ser390Asn). The serine residue is moderately conserved and there is a small physicochemical difference between serine and asparagine. This variant is present in population databases (rs771912912, ExAC 0.003%). This variant has not been reported in the literature in individuals affected with FAM20A-related conditions. Algorithms developed to predict the effect of missense changes on protein structure and function are either unavailable or do not agree on the potential impact of this missense change (SIFT: "Tolerated"; PolyPhen-2: "Possibly Damaging"; Align-GVGD: "Class C0"). In summary, the available evidence is currently insufficient to determine the role of this variant in disease. Therefore, it has been classified as a Variant of Uncertain Significance.

NM_017565.4(FAM20A):c.1169G>A (p.Ser390Asn)

Genes: FAM20A (FAM20A golgi associated secretory pathway pseudokinase; minus strand), PRKAR1A (protein kinase cAMP-dependent type I regulatory subunit alpha; plus strand). Cytogenetic location: 17q24.2.
Variant type: single nucleotide variant.
Coding change: c.1169G>A on transcript NM_017565.4 (MANE Select); coding-DNA position 1169, G replaced by A.
Protein change: p.Ser390Asn; replaces serine 390 with asparagine.
Molecular consequence: missense variant. On other transcripts: non-coding transcript variant (1), intron variant (1).
Genome position (GRCh38, 1-based): chr17:68,540,899, C>T on the plus strand (G>A on the coding strand, the complement: FAM20A is on the minus strand). VCF-style: chr17-68540899-C-T. GRCh37 (hg19) VCF-style: chr17-66537040-C-T.
Other names: c.974-10185C>T (NM_001276290.1); c.755G>A, p.Ser252Asn (NM_001243746.2); short protein forms S252N, S390N.
Identifiers: ClinVar variation 1473653 (VCV001473653.7), dbSNP rs771912912, ClinGen allele CA8729781.